The following is an entry in ClinVar:

NM_001302769.2(PARD3B):c.2782A>G (p.Arg928Gly)

Gene: PARD3B (par-3 family cell polarity regulator beta; plus strand). Cytogenetic location: 2q33.3.
Variant type: single nucleotide variant.
Coding change: c.2782A>G on transcript NM_001302769.2 (MANE Select); coding-DNA position 2782, A replaced by G.
Protein change: p.Arg928Gly; replaces arginine 928 with glycine.
Molecular consequence: missense variant. On other transcripts: intron variant (1).
Genome position (GRCh38, 1-based): chr2:205,440,410, A>G. VCF-style: chr2-205440410-A-G. GRCh37 (hg19) VCF-style: chr2-206305134-A-G.
Other names: c.2575A>G, p.Arg859Gly (NM_057177.7); c.2596A>G, p.Arg866Gly (NM_152526.6); c.2741+39287A>G (NM_205863.4); c.2596A>G (NM_152526.5); short protein forms R859G, R866G, R928G.
Identifiers: ClinVar variation 3033258 (VCV003033258.3), dbSNP rs74341236, ClinGen allele CA2068376.

ClinVar aggregate classification (germline): Uncertain significance. Review status: criteria provided, single submitter (1 of 4 stars). 2 submissions from 2 submitters: Uncertain significance (1). 1 of the submissions does not count toward it. Last evaluated 2025-08-20.

Conditions:
PARD3B-related disorder. Also called: PARD3B-related condition.

Allele frequency attached by ClinVar (database versions not stated): ExAC 0.00056; 1000 Genomes Project 0.00140; gnomAD 0.00182; 1000 Genomes Project 30x 0.00187; TOPMed 0.00223; ESP Exome Variant Server 0.00254.
gnomAD v4.1: 527 of 1,613,958 alleles (0.033%); highest among the groups gnomAD compares: African/African-American, 0.63%; 3 homozygotes.

Submissions (2):

Ambry Genetics
Classification: Uncertain significance. Last evaluated: 2025-08-20. Review status: criteria provided, single submitter. Criteria: Ambry Variant Classification Scheme 2023. Collection method: clinical testing. Allele origin: germline.

PreventionGenetics, part of Exact Sciences
Classification: Likely benign for PARD3B-related condition. Last evaluated: 2020-04-29. Review status: no assertion criteria provided. Collection method: clinical testing. Allele origin: germline. Not counted in ClinVar's aggregate classification.
Comment: This variant is classified as likely benign based on ACMG/AMP sequence variant interpretation guidelines (Richards et al. 2015 PMID: 25741868, with internal and published modifications).